The following is an entry in ClinVar:

ClinVar aggregate classification (germline): Conflicting classifications of pathogenicity. Review status: criteria provided, conflicting classifications (1 of 4 stars). 5 submissions from 5 submitters: Uncertain significance (1); Likely benign (4). Last evaluated 2026-01-26.

Conditions:
Pyruvate dehydrogenase E3-binding protein deficiency (PDHXD). Also called: E3-Binding Protein (Component X) Deficiency; LACTIC ACIDEMIA DUE TO DEFECT IN LIPOYL-CONTAINING COMPONENT X OF THE PYRUVATE DEHYDROGENASE COMPLEX; Lacticacidemia due to PDX1 deficiency; PYRUVATE HYDROGENASE E3-BINDING PROTEIN DEFICIENCY. Identifiers: Orphanet 255182, MedGen C1855553, MONDO:0009503, OMIM 245349.
PDHX-related disorder. Also called: PDHX-related condition.

Allele frequency attached by ClinVar (database versions not stated): TOPMed 0.00013; gnomAD 0.00018 and 0.00021; ESP Exome Variant Server 0.00023; gnomAD exomes 0.00023 and 0.00030; ExAC 0.00040.
gnomAD v4.1: 357 of 1,603,794 alleles (0.022%); highest among the groups gnomAD compares: Non-Finnish European, 0.023%; 1 homozygote.

Submissions (5):

Labcorp Genetics (formerly Invitae), Labcorp
Classification: Likely benign. Last evaluated: 2026-01-26. Review status: criteria provided, single submitter. Criteria: Invitae Variant Classification Sherloc (09022015). Collection method: clinical testing. Allele origin: germline.

PreventionGenetics, part of Exact Sciences
Classification: Likely benign for PDHX-related condition. Last evaluated: 2025-06-27. Review status: criteria provided, single submitter. Criteria: ACMG Guidelines, 2015. Collection method: clinical testing. Allele origin: germline.
Comment: This variant is classified as likely benign based on ACMG/AMP sequence variant interpretation guidelines (Richards et al. 2015 PMID: 25741868, with internal and published modifications).

Blueprint Genetics
Classification: Likely benign. Last evaluated: 2024-10-16. Review status: criteria provided, single submitter. Criteria: ACMG Guidelines, 2015. Collection method: clinical testing. Allele origin: germline.

GeneDx
Classification: Likely benign. Last evaluated: 2018-01-17. Review status: criteria provided, single submitter. Criteria: GeneDx Variant Classification (06012015). Collection method: clinical testing. Allele origin: germline. Affected: yes.
Comment: This variant is considered likely benign or benign based on one or more of the following criteria: it is a conservative change, it occurs at a poorly conserved position in the protein, it is predicted to be benign by multiple in silico algorithms, and/or has population frequency not consistent with disease.

Illumina Laboratory Services, Illumina
Classification: Uncertain significance for Pyruvate dehydrogenase E3-binding protein deficiency. Last evaluated: 2018-01-12. Review status: criteria provided, single submitter. Criteria: ICSL Variant Classification Criteria 13 December 2019. Collection method: clinical testing. Allele origin: germline.

NM_003477.3(PDHX):c.542+10T>C

Gene: PDHX (pyruvate dehydrogenase complex component X; plus strand). Cytogenetic location: 11p13.
Variant type: single nucleotide variant.
Coding change: c.542+10T>C on transcript NM_003477.3 (MANE Select); 10 bases into the intron after coding-DNA position 542, T replaced by C.
Molecular consequence: intron variant.
Genome position (GRCh38, 1-based): chr11:34,957,593, T>C. VCF-style: chr11-34957593-T-C. GRCh37 (hg19) VCF-style: chr11-34979140-T-C.
Other names: c.362+10T>C (NM_001135024.2); c.342+9987T>C (NM_001166158.2).
Identifiers: ClinVar variation 304467 (VCV000304467.16), dbSNP rs368960575, ClinGen allele CA5945895.